The following is an entry in ClinVar:

NM_004168.4(SDHA):c.1645C>G (p.Leu549Val)

Gene: SDHA (succinate dehydrogenase complex flavoprotein subunit A; plus strand). Cytogenetic location: 5p15.33.
Variant type: single nucleotide variant.
Coding change: c.1645C>G on transcript NM_004168.4 (MANE Select); coding-DNA position 1645, C replaced by G.
Protein change: p.Leu549Val; replaces leucine 549 with valine.
Molecular consequence: missense variant. On other transcripts: intron variant (1).
Genome position (GRCh38, 1-based): chr5:251,085, C>G. VCF-style: chr5-251085-C-G. GRCh37 (hg19) VCF-style: chr5-251200-C-G.
Other names: c.1501C>G, p.Leu501Val (NM_001294332.2); c.1552-3308C>G (NM_001330758.2); short protein forms L549V, L501V.
Identifiers: ClinVar variation 486402 (VCV000486402.8), dbSNP rs1554001867, ClinGen allele CA358998860.

ClinVar aggregate classification (germline): Uncertain significance. Review status: criteria provided, multiple submitters, no conflicts (2 of 4 stars). 2 submissions from 2 submitters: Uncertain significance (2). Last evaluated 2023-10-23.

Conditions:
Hereditary cancer-predisposing syndrome. Also called: Neoplastic Syndromes, Hereditary; Hereditary Cancer Syndrome; Hereditary neoplastic syndrome; Tumor predisposition. Identifiers: Orphanet 140162, MedGen C0027672, MeSH D009386, MONDO:0015356.
Mitochondrial complex II deficiency, nuclear type 1. Also called: SUCCINATE CoQ REDUCTASE DEFICIENCY. Identifiers: Orphanet 3208, MedGen C5700310, MONDO:0100294, OMIM 252011.
Pheochromocytoma/paraganglioma syndrome 5. Also called: Paragangliomas 5; SDHA-Related Hereditary Paraganglioma-Pheochromocytoma Syndrome. Identifiers: Orphanet 29072, MedGen C3279992, MONDO:0013602, OMIM 614165.

Submissions (2):

Labcorp Genetics (formerly Invitae), Labcorp
Classification: Uncertain significance for Pheochromocytoma/paraganglioma syndrome 5; Mitochondrial complex II deficiency, nuclear type 1. Last evaluated: 2023-10-23. Review status: criteria provided, single submitter. Criteria: Invitae Variant Classification Sherloc (09022015). Collection method: clinical testing. Allele origin: germline.
Comment: This sequence change replaces leucine, which is neutral and non-polar, with valine, which is neutral and non-polar, at codon 549 of the SDHA protein (p.Leu549Val). This variant is not present in population databases (gnomAD no frequency). This variant has not been reported in the literature in individuals affected with SDHA-related conditions. ClinVar contains an entry for this variant (Variation ID: 486402). Advanced modeling of protein sequence and biophysical properties (such as structural, functional, and spatial information, amino acid conservation, physicochemical variation, residue mobility, and thermodynamic stability) performed at Invitae indicates that this missense variant is not expected to disrupt SDHA protein function. In summary, the available evidence is currently insufficient to determine the role of this variant in disease. Therefore, it has been classified as a Variant of Uncertain Significance.

Ambry Genetics
Classification: Uncertain significance for Hereditary cancer-predisposing syndrome. Last evaluated: 2017-06-22. Review status: criteria provided, single submitter. Criteria: Ambry Variant Classification Scheme 2023. Collection method: clinical testing. Allele origin: germline.
Comment: The p.L549V variant (also known as c.1645C>G), located in coding exon 12 of the SDHA gene, results from a C to G substitution at nucleotide position 1645. The leucine at codon 549 is replaced by valine, an amino acid with highly similar properties. This amino acid position is well conserved in available vertebrate species. In addition, this alteration is predicted to be tolerated by in silico analysis. Since supporting evidence is limited at this time, the clinical significance of this alteration remains unclear.